The following is an entry in ClinVar:

ClinVar aggregate classification (germline): Uncertain significance (1 of 4 stars; one submission).

Conditions:
Congenital myopathy 4B, autosomal recessive. Also called: Nemaline myopathy 1, autosomal dominant or recessive. Identifiers: Orphanet 171433, Orphanet 171439, Orphanet 171881, MedGen C5829889, MONDO:0012239, OMIM 609284.

Submission:

HudsonAlpha Institute for Biotechnology
Classification: Uncertain significance for Congenital myopathy 4B, autosomal recessive. Last evaluated: 2018-04-18. Review status: criteria provided, single submitter. Criteria: ACMG Guidelines, 2015. Collection method: research. Allele origin: maternal. Observed: 1 variant allele. Study: CSER-SouthSeq.
Comment: ACMG codes: PM2, PP3

NM_152263.4(TPM3):c.329C>T (p.Ala110Val)

Gene: TPM3 (tropomyosin 3; minus strand). Cytogenetic location: 1q21.3.
Variant type: single nucleotide variant.
Coding change: c.329C>T on transcript NM_152263.4 (MANE Select); coding-DNA position 329, C replaced by T.
Protein change: p.Ala110Val; replaces alanine 110 with valine.
Molecular consequence: missense variant. On other transcripts: 5 prime UTR variant (1), non-coding transcript variant (1), intron variant (1).
Genome position (GRCh38, 1-based): chr1:154,176,163, G>A on the plus strand (C>T on the coding strand, the complement: TPM3 is on the minus strand). VCF-style: chr1-154176163-G-A. GRCh37 (hg19) VCF-style: chr1-154148639-G-A.
Other names: c.218C>T, p.Ala73Val (NM_001043351.2, NM_001043352.2, NM_001043353.2 and 5 more transcripts); c.-53C>T (NM_001278191.2); c.329C>T, p.Ala110Val (NM_001364679.2, NM_001364680.2, NM_001364681.2 and 1 more transcripts); c.69-2962C>T (NM_001278188.2); short protein forms A110V, A73V.
Identifiers: ClinVar variation 623645 (VCV000623645.2), dbSNP rs1558052023, ClinGen allele CA342584945.